The following is an entry in ClinVar:

NM_001005273.3(CHD3):c.3851G>T (p.Ser1284Ile)

Gene: CHD3 (chromodomain helicase DNA binding protein 3; plus strand). Cytogenetic location: 17p13.1.
Variant type: single nucleotide variant.
Coding change: c.3851G>T on transcript NM_001005273.3 (MANE Select); coding-DNA position 3851, G replaced by T.
Protein change: p.Ser1284Ile; replaces serine 1284 with isoleucine.
Molecular consequence: missense variant.
Genome position (GRCh38, 1-based): chr17:7,903,948, G>T. VCF-style: chr17-7903948-G-T. GRCh37 (hg19) VCF-style: chr17-7807266-G-T.
Other names: c.4028G>T, p.Ser1343Ile (NM_001005271.3, NM_001437504.1); c.4016G>T, p.Ser1339Ile (NM_001437507.1, NM_001437508.1, NM_001437509.1); c.3851G>T, p.Ser1284Ile (NM_005852.4); short protein forms S1284I, S1339I, S1343I.
Identifiers: ClinVar variation 4846988 (VCV004846988.1).

ClinVar aggregate classification (germline): Uncertain significance (1 of 4 stars; one submission).

Conditions:
Snijders Blok-Campeau syndrome. Also called: INTELLECTUAL DEVELOPMENTAL DISORDER WITH MACROCEPHALY, SPEECH DELAY, AND DYSMORPHIC FACIES. Identifiers: Orphanet 599082, MedGen C4748701, MONDO:0032600, OMIM 618205.

Submission:

Laboratorio de Genetica e Diagnostico Molecular, Hospital Israelita Albert Einstein
Classification: Uncertain significance for Snijders Blok-Campeau syndrome. Last evaluated: 2025-11-26. Review status: criteria provided, single submitter. Criteria: ACMG Guidelines, 2015. Collection method: clinical testing. Allele origin: germline. Affected: yes.
Comment: ACMG classification criteria: PM2 supporting, PP2 supporting, PP3 supporting